The following is an entry in ClinVar:

ClinVar aggregate classification (germline): Uncertain significance. Review status: criteria provided, multiple submitters, no conflicts (2 of 4 stars). 3 submissions from 3 submitters: Uncertain significance (3). Last evaluated 2025-08-12.

Conditions:
Immunodeficiency, common variable, 6. Also called: ANTIBODY DEFICIENCY DUE TO CD81 DEFECT. Identifiers: Orphanet 1572, MedGen C3150741, MONDO:0013286, OMIM 613496.

Allele frequency attached by ClinVar (database versions not stated): gnomAD 0.00005 and 0.00006; ExAC 0.00006; TOPMed 0.00006.
gnomAD v4.1: 318 of 1,612,704 alleles (0.02%); highest among the groups gnomAD compares: Non-Finnish European, 0.026%; no homozygotes.

Submissions (3):

Ambry Genetics
Classification: Uncertain significance. Last evaluated: 2025-08-12. Review status: criteria provided, single submitter. Criteria: Ambry Variant Classification Scheme 2023. Collection method: clinical testing. Allele origin: germline.

Labcorp Genetics (formerly Invitae), Labcorp
Classification: Uncertain significance. Last evaluated: 2025-07-15. Review status: criteria provided, single submitter. Criteria: Invitae Variant Classification Sherloc (09022015). Collection method: clinical testing. Allele origin: germline.
Comment: This sequence change replaces aspartic acid, which is acidic and polar, with asparagine, which is neutral and polar, at codon 137 of the CD81 protein (p.Asp137Asn). This variant is present in population databases (rs767263004, gnomAD 0.01%). This variant has not been reported in the literature in individuals affected with CD81-related conditions. ClinVar contains an entry for this variant (Variation ID: 1347538). An algorithm developed to predict the effect of missense changes on protein structure and function (PolyPhen-2) suggests that this variant is likely to be tolerated. In summary, the available evidence is currently insufficient to determine the role of this variant in disease. Therefore, it has been classified as a Variant of Uncertain Significance.

Revvity Omics, Revvity
Classification: Uncertain significance for Immunodeficiency, common variable, 6. Last evaluated: 2020-02-11. Review status: criteria provided, single submitter. Criteria: ACMG Guidelines, 2015. Collection method: clinical testing. Allele origin: germline.

NM_004356.4(CD81):c.409G>A (p.Asp137Asn)

Gene: CD81 (CD81 molecule; plus strand). Cytogenetic location: 11p15.5.
Variant type: single nucleotide variant.
Coding change: c.409G>A on transcript NM_004356.4 (MANE Select); coding-DNA position 409, G replaced by A.
Protein change: p.Asp137Asn; replaces aspartic acid 137 with asparagine.
Molecular consequence: missense variant.
Genome position (GRCh38, 1-based): chr11:2,395,470, G>A. VCF-style: chr11-2395470-G-A. GRCh37 (hg19) VCF-style: chr11-2416700-G-A.
Other names: c.196G>A, p.Asp66Asn (NM_001297649.2); c.409G>A (NM_004356.3); short protein forms D137N, D66N.
Identifiers: ClinVar variation 1347538 (VCV001347538.11), dbSNP rs767263004, ClinGen allele CA5819996.